The following is an entry in ClinVar:

ClinVar aggregate classification (germline): Uncertain significance (1 of 4 stars; one submission).

Conditions:
Leigh syndrome (NULS). Also called: Leigh's necrotizing encephalopathy; Leigh's disease; Leigh Syndrome (mtDNA deletion); Leigh Disease; Subacute necrotizing encephalopathy; Necrotizing encephalopathy infantile subacute of Leigh. Identifiers: Orphanet 506, MedGen C2931891, MONDO:0009723, OMIM 256000.

Submission:

Wong Mito Lab, Molecular and Human Genetics, Baylor College of Medicine
Classification: Uncertain significance for Leigh syndrome. Last evaluated: 2019-10-17. Review status: criteria provided, single submitter. Criteria: Modified ACMG Guidelines (Unpublished). Collection method: clinical testing. Allele origin: germline.
Comment: The NC_012920.1:m.10348T>C (YP_003024033.1:p.Ile97Thr) variant in MTND3 gene is interpretated to be a Uncertain Significance variant based on the modified ACMG guidelines (unpublished). This variant meets the following evidence codes: no criteria

NC_012920.1(MT-ND3):m.10348T>C

Gene: MT-ND3 (mitochondrially encoded NADH dehydrogenase 3; plus strand).
Variant type: single nucleotide variant.
Genome position: chrM-10348-T-C.
Identifiers: ClinVar variation 693283 (VCV000693283.1), dbSNP rs1556423803, ClinGen allele CA414805143.